The following is an entry in ClinVar:

NM_001005242.3(PKP2):c.2374G>A (p.Ala792Thr)

Gene: PKP2 (plakophilin 2; minus strand). Cytogenetic location: 12p11.21.
Variant type: single nucleotide variant.
Coding change: c.2374G>A on transcript NM_001005242.3 (MANE Select); coding-DNA position 2374, G replaced by A.
Protein change: p.Ala792Thr; replaces alanine 792 with threonine.
Molecular consequence: missense variant. On other transcripts: synonymous variant (2).
Genome position (GRCh38, 1-based): chr12:32,792,715, C>T on the plus strand (G>A on the coding strand, the complement: PKP2 is on the minus strand). VCF-style: chr12-32792715-C-T. GRCh37 (hg19) VCF-style: chr12-32945649-C-T.
Other names: c.2184G>A, p.Lys728= (NM_001407155.1); c.2209G>A, p.Ala737Thr (NM_001407156.1); c.2047G>A, p.Ala683Thr (NM_001407158.1, NM_001407159.1); c.1857G>A, p.Lys619= (NM_001407160.1); c.2506G>A, p.Ala836Thr (NM_004572.4); short protein forms A792T, A683T, A737T, A836T.
Identifiers: ClinVar variation 2845003 (VCV002845003.3), dbSNP rs2541184927, ClinGen allele CA384356990.

ClinVar aggregate classification (germline): Uncertain significance (1 of 4 stars; one submission).

Conditions:
Arrhythmogenic right ventricular dysplasia 9 (ARVD9). Also called: Arrhythmogenic Right Ventricular Dysplasia/Cardiomyopathy 9; ARRHYTHMOGENIC RIGHT VENTRICULAR DYSPLASIA, FAMILIAL, 9. Identifiers: MedGen C1836906, MONDO:0012180, OMIM 609040.

Submission:

Labcorp Genetics (formerly Invitae), Labcorp
Classification: Uncertain significance for Arrhythmogenic right ventricular dysplasia 9. Last evaluated: 2023-03-11. Review status: criteria provided, single submitter. Criteria: Invitae Variant Classification Sherloc (09022015). Collection method: clinical testing. Allele origin: germline.
Comment: An algorithm developed to predict the effect of missense changes on protein structure and function (PolyPhen-2) suggests that this variant is likely to be tolerated. In summary, the available evidence is currently insufficient to determine the role of this variant in disease. Therefore, it has been classified as a Variant of Uncertain Significance. This variant has not been reported in the literature in individuals affected with PKP2-related conditions. This variant is not present in population databases (gnomAD no frequency). This sequence change replaces alanine, which is neutral and non-polar, with threonine, which is neutral and polar, at codon 836 of the PKP2 protein (p.Ala836Thr).